The following is an entry in ClinVar:

NM_007294.4(BRCA1):c.373A>G (p.Ile125Val)

Gene: BRCA1 (BRCA1 DNA repair associated; minus strand). Cytogenetic location: 17q21.31.
Variant type: single nucleotide variant.
Coding change: c.373A>G on transcript NM_007294.4 (MANE Select); coding-DNA position 373, A replaced by G.
Protein change: p.Ile125Val; replaces isoleucine 125 with valine.
Molecular consequence: missense variant. On other transcripts: non-coding transcript variant (1).
Genome position (GRCh38, 1-based): chr17:43,104,190, T>C on the plus strand (A>G on the coding strand, the complement: BRCA1 is on the minus strand). VCF-style: chr17-43104190-T-C. GRCh37 (hg19) VCF-style: chr17-41256207-T-C.
Other names: 492A>G; c.163A>G, p.Ile55Val (NM_001407571.1, NM_001407853.1, NM_001407879.1 and 58 more transcripts); c.373A>G, p.Ile125Val (NM_001407581.1, NM_001407582.1, NM_001407583.1 and 165 more transcripts); c.364A>G, p.Ile122Val (NM_001407646.1, NM_001407647.1, NM_001408408.1); c.295A>G, p.Ile99Val (NM_001407653.1, NM_001407654.1, NM_001407655.1 and 21 more transcripts); c.232A>G, p.Ile78Val (NM_001407692.1, NM_001407694.1, NM_001407695.1 and 99 more transcripts); c.-9A>G (NM_001407959.1, NM_001407960.1, NM_001407962.1 and 4 more transcripts); c.241A>G, p.Ile81Val (NM_001408451.1); short protein forms I125V, I78V, I81V, I99V, I55V, I122V.
Identifiers: ClinVar variation 156193 (VCV000156193.20), dbSNP rs587776489, ClinGen allele CA002397.
Genomic context (GRCh38, chr17:43,104,190, plus strand): 5'-GATTTTCGGGTTCACTCTGTAGAAGTCTTTTGGCACGGTTTCTGTAGCCCATACTTTGGA[T>C]GATAGAAACTTCATCTTTTAGATGTTCAGGAGAGTTATTTTCCTTTTTTGCAAAATTATA-3'
Protein context (NP_009225.1, residues 115-135): PEHLKDEVSI[Ile125Val]QSMGYRNRAK

ClinVar aggregate classification (germline): Uncertain significance. Review status: criteria provided, multiple submitters, no conflicts (2 of 4 stars). 4 submissions from 4 submitters: Uncertain significance (3). 1 of the submissions does not count toward it. Last evaluated 2024-10-11.

Conditions:
Hereditary cancer-predisposing syndrome. Also called: Tumor predisposition; Hereditary neoplastic syndrome; Hereditary Cancer Syndrome; Neoplastic Syndromes, Hereditary. Identifiers: Orphanet 140162, MedGen C0027672, MeSH D009386, MONDO:0015356.
Hereditary breast ovarian cancer syndrome. Also called: Hereditary breast and/or ovarian cancer syndrome; Breast and ovarian cancer; Hereditary breast and ovarian cancer syndrome; Hereditary breast and ovarian cancer; Hereditary breast and ovarian cancer syndrome (HBOC); BRCA1- and BRCA2-Associated Hereditary Breast and Ovarian Cancer. Identifiers: Orphanet 145, MedGen C0677776, MeSH D061325, MONDO:0003582. Disease mechanism: loss of function.
Breast-ovarian cancer, familial, susceptibility to, 1 (BROVCA1). Also called: BRCA1 Hereditary Breast and Ovarian Cancer; OVARIAN CANCER, SUSCEPTIBILITY TO. Identifiers: Orphanet 145, MedGen C2676676, MONDO:0011450, OMIM 604370. Disease mechanism: loss of function.

Allele frequency attached by ClinVar (database versions not stated): gnomAD exomes below 0.00001; gnomAD 0.00001; TOPMed 0.00001.
gnomAD v4.1: 2 of 1,613,886 alleles (0.00012%); highest among the groups gnomAD compares: African/African-American, 0.0013%; no homozygotes.

Submissions (4):

Ambry Genetics
Classification: Uncertain significance for Hereditary cancer-predisposing syndrome. Last evaluated: 2024-10-11. Review status: criteria provided, single submitter. Criteria: Ambry Variant Classification Scheme 2023. Collection method: clinical testing. Allele origin: germline.
Comment: The p.I125V variant (also known as c.373A>G and 492A>G), located in coding exon 5 of the BRCA1 gene, results from an A to G substitution at nucleotide position 373. The isoleucine at codon 125 is replaced by valine, an amino acid with highly similar properties. This amino acid position is highly conserved in available vertebrate species. In addition, this alteration is predicted to be deleterious by in silico analysis. Since supporting evidence is limited at this time, the clinical significance of this alteration remains unclear.

Labcorp Genetics (formerly Invitae), Labcorp
Classification: Uncertain significance for Hereditary breast ovarian cancer syndrome. Last evaluated: 2024-02-15. Review status: criteria provided, single submitter. Criteria: Invitae Variant Classification Sherloc (09022015). Collection method: clinical testing. Allele origin: germline.
Comment: This sequence change replaces isoleucine, which is neutral and non-polar, with valine, which is neutral and non-polar, at codon 125 of the BRCA1 protein (p.Ile125Val). This variant is not present in population databases (gnomAD no frequency). This variant has not been reported in the literature in individuals affected with BRCA1-related conditions. ClinVar contains an entry for this variant (Variation ID: 156193). Advanced modeling of protein sequence and biophysical properties (such as structural, functional, and spatial information, amino acid conservation, physicochemical variation, residue mobility, and thermodynamic stability) performed at Invitae indicates that this missense variant is not expected to disrupt BRCA1 protein function with a negative predictive value of 95%. In summary, the available evidence is currently insufficient to determine the role of this variant in disease. Therefore, it has been classified as a Variant of Uncertain Significance.

GeneDx
Classification: Uncertain significance. Last evaluated: 2015-02-12. Review status: criteria provided, single submitter. Criteria: GeneDx Variant Classification (06012015). Collection method: clinical testing. Allele origin: germline. Affected: yes.
Comment: This variant is denoted BRCA1 c.373A>G at the cDNA level, p.Ile125Val (I125V) at the protein level, and results in the change of an Isoleucine to a Valine (ATC>GTC). Using alternate nomenclature, this variant would be defined as BRCA1 492A>G. This variant has not, to our knowledge, been published in the literature as pathogenic or benign. BRCA1 Ile125Val was not observed in approximately 6,500 individuals of European and African American ancestry in the NHLBI Exome Sequencing Project, indicating it is not a common benign variant in these populations. Since Isoleucine and Valine share similar properties, this is considered a conservative amino acid substitution. BRCA1 Ile125Val occurs at a position that is conserved across species and is not located in a known functional domain. In silico analyses are inconsistent regarding the effect this variant may have on protein structure and function. Based on currently available information, it is unclear whether BRCA1 Ile125Val is pathogenic or benign. We consider it to be a variant of uncertain significance.

Sharing Clinical Reports Project (SCRP)
Classification: Uncertain significance for Breast-ovarian cancer, familial 1. Last evaluated: 2011-05-12. Review status: no assertion criteria provided. Collection method: clinical testing. Allele origin: germline. Not counted in ClinVar's aggregate classification.